The following is an entry in ClinVar:

NM_017514.5(PLXNA3):c.3441+8C>T

Gene: PLXNA3 (plexin A3; plus strand). Cytogenetic location: Xq28.
Variant type: single nucleotide variant.
Coding change: c.3441+8C>T on transcript NM_017514.5 (MANE Select); 8 bases into the intron after coding-DNA position 3441, C replaced by T.
Molecular consequence: intron variant.
Genome position (GRCh38, 1-based): chrX:154,467,479, C>T. VCF-style: chrX-154467479-C-T. GRCh37 (hg19) VCF-style: chrX-153695822-C-T.
Identifiers: ClinVar variation 2636163 (VCV002636163.4), dbSNP rs782539165, ClinGen allele CA10564622.
Genomic context (GRCh38, chrX:154,467,479, plus strand): 5'-TGGGGCCCTCTGGCGTGCTGGACGTCAAACCGGGCTCCCACGTGGTGCTGAAGGTGCGGG[C>T]GGGGTGGGGGCGGGGAGGGGCGGGAAAGTGGAGAGTCCTGGGCTGAAGTTGTCCTCCACC-3'

ClinVar aggregate classification (germline): Likely benign (1 of 4 stars; one submission).

Conditions:
PLXNA3-related disorder. Also called: PLXNA3-related condition.

Allele frequency attached by ClinVar (database versions not stated): TOPMed 0.00009; gnomAD 0.00011; ExAC 0.00019; gnomAD exomes 0.00056.
gnomAD v4.1: 130 of 283,050 alleles (0.046%); highest among the groups gnomAD compares: South Asian, 0.097%; no homozygotes.

Submission:

PreventionGenetics, part of Exact Sciences
Classification: Likely benign for PLXNA3-related condition. Last evaluated: 2026-06-18. Review status: criteria provided, single submitter. Criteria: ACMG Guidelines, 2015. Collection method: clinical testing. Allele origin: germline.
Comment: This variant is classified as likely benign based on ACMG/AMP sequence variant interpretation guidelines (Richards et al. 2015 PMID: 25741868, with internal and published modifications).